The following is an entry in ClinVar:

ClinVar aggregate classification (germline): Benign (1 of 4 stars; one submission).

gnomAD v4.1: 974 of 1,614,064 alleles (0.06%); highest among the groups gnomAD compares: Admixed American, 0.28%; 3 homozygotes.

Submissions (2):

CeGaT Center for Human Genetics Tuebingen
Classification: Benign. Last evaluated: 2025-01-01. Review status: criteria provided, single submitter. Criteria: CeGaT Center For Human Genetics Tuebingen Variant Classification Criteria Version 2. Collection method: clinical testing. Allele origin: germline. Affected: yes. Observed: 1 variant allele.
Comment: ITPR3: BS1, BS2

Dr. Peter K. Rogan Lab, Western University
No classification provided (evidence only). Condition: Uterine corpus endometrial carcinoma. Review status: no classification provided. Collection method: in vitro. Allele origin: not applicable. Functional consequence: retained intron. Not counted in ClinVar's aggregate classification.

NM_002224.4(ITPR3):c.529-3C>T

Gene: ITPR3 (inositol 1,4,5-trisphosphate receptor type 3; plus strand). Cytogenetic location: 6p21.31.
Variant type: single nucleotide variant.
Coding change: c.529-3C>T on transcript NM_002224.4 (MANE Select); 3 bases into the intron before coding-DNA position 529, C replaced by T.
Molecular consequence: intron variant.
Genome position (GRCh38, 1-based): chr6:33,659,018, C>T. VCF-style: chr6-33659018-C-T. GRCh37 (hg19) VCF-style: chr6-33626795-C-T.
Other names: NC_000006.11:g.33626795C>T.
Identifiers: ClinVar variation 3770732 (VCV003770732.14).